The following is an entry in ClinVar:

NM_001561.6(TNFRSF9):c.58del (p.Arg20fs)

Gene: TNFRSF9 (TNF receptor superfamily member 9; minus strand). Cytogenetic location: 1p36.23.
Variant type: Deletion.
Coding change: c.58del on transcript NM_001561.6 (MANE Select); coding-DNA position 58, one base deleted (A; older notation c.58delA).
Protein change: p.Arg20fs; shifts the reading frame from arginine 20.
Molecular consequence: frameshift variant.
Genome position (GRCh38, 1-based): chr1:7,939,937, T deleted on the plus strand (A on the coding strand, the reverse complement: TNFRSF9 is on the minus strand). VCF-style (leftmost placement, unchanged base first): chr1-7939936-CT-C. GRCh37 (hg19) VCF-style: chr1-7999996-CT-C.
Other names: short protein forms R20fs.
Identifiers: ClinVar variation 4766537 (VCV004766537.1).

ClinVar aggregate classification (germline): Pathogenic (1 of 4 stars; one submission).

Submission:

Labcorp Genetics (formerly Invitae), Labcorp
Classification: Pathogenic. Last evaluated: 2025-12-10. Review status: criteria provided, single submitter. Criteria: Invitae Variant Classification Sherloc (09022015). Collection method: clinical testing. Allele origin: germline.
Comment: This sequence change creates a premature translational stop signal (p.Arg20Glyfs*93) in the TNFRSF9 gene. It is expected to result in an absent or disrupted protein product. Loss-of-function variants in TNFRSF9 are known to be pathogenic (PMID: 30872117, 31501153). This variant is not present in population databases (gnomAD no frequency). This variant has not been reported in the literature in individuals affected with TNFRSF9-related conditions. For these reasons, this variant has been classified as Pathogenic.

Literature cited by the submitters: PubMed 30872117; PubMed 31501153.